The following is an entry in ClinVar:

NM_017617.5(NOTCH1):c.1042G>A (p.Ala348Thr)

Gene: NOTCH1 (notch receptor 1; minus strand). Cytogenetic location: 9q34.3.
Variant type: single nucleotide variant.
Coding change: c.1042G>A on transcript NM_017617.5 (MANE Select); coding-DNA position 1042, G replaced by A.
Protein change: p.Ala348Thr; replaces alanine 348 with threonine.
Molecular consequence: missense variant.
Genome position (GRCh38, 1-based): chr9:136,518,648, C>T on the plus strand (G>A on the coding strand, the complement: NOTCH1 is on the minus strand). VCF-style: chr9-136518648-C-T. GRCh37 (hg19) VCF-style: chr9-139413100-C-T.
Other names: short protein forms A348T.
Identifiers: ClinVar variation 3376001 (VCV003376001.1).
Genomic context (GRCh38, chr9:136,518,648, plus strand): 5'-CACCTGTGCGGCCATGGGGACACTCGCAGTAGAAGGAGGCCACACGGTCATGGCAGGTGG[C>T]GCCGTGGAAGCAGGCGGCGCTGGCACAGTCATCAATGTTCTCGCTGCAGTCCTCACCAGT-3'
Protein context (NP_060087.3, residues 338-358): DCASAACFHG[Ala348Thr]TCHDRVASFY

ClinVar aggregate classification (germline): Uncertain significance (1 of 4 stars; one submission).

Submission:

GeneDx
Classification: Uncertain significance. Last evaluated: 2024-05-01. Review status: criteria provided, single submitter. Criteria: GeneDx Variant Classification Process June 2021. Collection method: clinical testing. Allele origin: germline. Affected: yes.
Comment: Not observed at significant frequency in large population cohorts (gnomAD); In silico analysis supports that this missense variant has a deleterious effect on protein structure/function; Has not been previously published as pathogenic or benign to our knowledge